The following is an entry in ClinVar:

ClinVar aggregate classification (germline): Uncertain significance (1 of 4 stars; one submission).

gnomAD v4.1: 1 of 1,569,176 alleles (0.000064%); highest among the groups gnomAD compares: Non-Finnish European, 0.000086%; no homozygotes.

Submission:

GeneDx
Classification: Uncertain significance. Last evaluated: 2025-03-26. Review status: criteria provided, single submitter. Criteria: GeneDx Variant Classification Process June 2021. Collection method: clinical testing. Allele origin: germline. Affected: yes.
Comment: Not observed at significant frequency in large population cohorts (gnomAD); In silico analysis supports that this missense variant has a deleterious effect on protein structure/function; Has not been previously published as pathogenic or benign to our knowledge

NM_003590.5(CUL3):c.666G>C (p.Gln222His)

Gene: CUL3 (cullin 3; minus strand). Cytogenetic location: 2q36.2.
Variant type: single nucleotide variant.
Coding change: c.666G>C on transcript NM_003590.5 (MANE Select); coding-DNA position 666, G replaced by C.
Protein change: p.Gln222His; replaces glutamine 222 with histidine.
Molecular consequence: missense variant.
Genome position (GRCh38, 1-based): chr2:224,511,571, C>G on the plus strand (G>C on the coding strand, the complement: CUL3 is on the minus strand). VCF-style: chr2-224511571-C-G. GRCh37 (hg19) VCF-style: chr2-225376288-C-G.
Other names: c.468G>C, p.Gln156His (NM_001257197.2); c.684G>C, p.Gln228His (NM_001257198.2); short protein forms Q228H, Q156H, Q222H.
Identifiers: ClinVar variation 4087993 (VCV004087993.1).
Genomic context (GRCh38, chr2:224,511,571, plus strand): 5'-ATTAATTCTAGCTTCTACTTTCTTTATATATACTGAAGCACTATTTTCTGCTAAAAATTT[C>G]TGGCTTTCCATCTGCCATTTAAAAATATATATATTTTTTAAACATAGAAGAAAAGAGTGT-3'
Protein context (NP_003581.1, residues 212-232): MSAEFFQMES[Gln222His]KFLAENSASV